The following is an entry in ClinVar:

NM_000388.4(CASR):c.2417T>C (p.Phe806Ser)

Gene: CASR (calcium sensing receptor; plus strand). Cytogenetic location: 3q21.1.
Variant type: single nucleotide variant.
Coding change: c.2417T>C on transcript NM_000388.4 (MANE Select); coding-DNA position 2417, T replaced by C.
Protein change: p.Phe806Ser; replaces phenylalanine 806 with serine.
Molecular consequence: missense variant.
Genome position (GRCh38, 1-based): chr3:122,284,371, T>C. VCF-style: chr3-122284371-T-C. GRCh37 (hg19) VCF-style: chr3-122003218-T-C.
Other names: c.2447T>C, p.Phe816Ser (NM_001178065.2); short protein forms F806S, F816S.
Identifiers: ClinVar variation 8322 (VCV000008322.6), dbSNP rs104893693, ClinGen allele CA119483.
Genomic context (GRCh38, chr3:122,284,371, plus strand): 5'-TCTGCTTCTTCTTTGCCTTCAAGTCCCGGAAGCTGCCGGAGAACTTCAATGAAGCCAAGT[T>C]CATCACCTTCAGCATGCTCATCTTCTTCATCGTCTGGATCTCCTTCATTCCAGCCTATGC-3'
Protein context (NP_000379.3, residues 796-816): KLPENFNEAK[Phe806Ser]ITFSMLIFFI

ClinVar aggregate classification (germline): Uncertain significance. Review status: criteria provided, single submitter (1 of 4 stars). 2 submissions from 2 submitters: Uncertain significance (1). 1 of the submissions does not count toward it. Last evaluated 2022-08-19.

Conditions:
Autosomal dominant hypocalcemia 1 (HYPOC1). Also called: HYPOCALCEMIA, FAMILIAL. Identifiers: MedGen C3715128, MONDO:0011013, OMIM 601198.
Familial hypocalciuric hypercalcemia (FHH). Also called: Familial benign hypercalcemia. Identifiers: Orphanet 405, MedGen C1809471, MONDO:0018458.

Submissions (2):

Labcorp Genetics (formerly Invitae), Labcorp
Classification: Uncertain significance for Familial hypocalciuric hypercalcemia; Autosomal dominant hypocalcemia 1. Last evaluated: 2022-08-19. Review status: criteria provided, single submitter. Criteria: Invitae Variant Classification Sherloc (09022015). Collection method: clinical testing. Allele origin: germline.
Comment: This sequence change replaces phenylalanine, which is neutral and non-polar, with serine, which is neutral and polar, at codon 806 of the CASR protein (p.Phe806Ser). This variant is not present in population databases (gnomAD no frequency). This missense change has been observed in individual(s) with hypocalcemia (PMID: 8733126, 26646938). ClinVar contains an entry for this variant (Variation ID: 8322). Algorithms developed to predict the effect of missense changes on protein structure and function are either unavailable or do not agree on the potential impact of this missense change (SIFT: "Deleterious"; PolyPhen-2: "Probably Damaging"; Align-GVGD: "Class C0"). In summary, the available evidence is currently insufficient to determine the role of this variant in disease. Therefore, it has been classified as a Variant of Uncertain Significance.

OMIM
Classification: Pathogenic for HYPOCALCEMIA, AUTOSOMAL DOMINANT 1. Last evaluated: 1996-05-01. Review status: no assertion criteria provided. Collection method: literature only. Allele origin: germline. Not counted in ClinVar's aggregate classification.

Literature cited by the submitters: PubMed 8733126 (cited by Labcorp Genetics (formerly Invitae), Labcorp and OMIM); PubMed 26646938 (cited by Labcorp Genetics (formerly Invitae), Labcorp).